The following is an entry in ClinVar:

ClinVar aggregate classification (germline): Uncertain significance. Review status: criteria provided, multiple submitters, no conflicts (2 of 4 stars). 2 submissions from 2 submitters: Uncertain significance (2). Last evaluated 2023-12-05.

Conditions:
Autosomal recessive limb-girdle muscular dystrophy type 2J (LGMDR10). Also called: Limb-girdle muscular dystrophy, type 2J; MUSCULAR DYSTROPHY, LIMB-GIRDLE, AUTOSOMAL RECESSIVE 10. Identifiers: Orphanet 140922, MedGen C1837342, MONDO:0012127, OMIM 608807.
Dilated cardiomyopathy 1G (CMD1G). Identifiers: Orphanet 154, MedGen C1858763, MONDO:0011400, OMIM 604145.
Cardiovascular phenotype. Identifiers: MedGen CN230736.

Allele frequency attached by ClinVar (database versions not stated): gnomAD exomes below 0.00001.
gnomAD v4.1: 1 of 1,613,950 alleles (0.000062%); highest among the groups gnomAD compares: Non-Finnish European, 0.000085%; no homozygotes.

Submissions (2):

Labcorp Genetics (formerly Invitae), Labcorp
Classification: Uncertain significance for Dilated cardiomyopathy 1G; Autosomal recessive limb-girdle muscular dystrophy type 2J. Last evaluated: 2023-12-05. Review status: criteria provided, single submitter. Criteria: Invitae Variant Classification Sherloc (09022015). Collection method: clinical testing. Allele origin: germline.
Comment: This sequence change replaces asparagine, which is neutral and polar, with serine, which is neutral and polar, at codon 33751 of the TTN protein (p.Asn33751Ser). This variant is present in population databases (no rsID available, gnomAD 0.01%). This variant has not been reported in the literature in individuals affected with TTN-related conditions. ClinVar contains an entry for this variant (Variation ID: 1758756). Experimental studies and prediction algorithms are not available or were not evaluated, and the functional significance of this variant is currently unknown. This variant is located in the M band of TTN (PMID: 25589632). Non-truncating variants in this region may be relevant for neuromuscular disorders, but have not been definitively shown to cause cardiomyopathy (PMID: 23975875). In summary, the available evidence is currently insufficient to determine the role of this variant in disease. Therefore, it has been classified as a Variant of Uncertain Significance.

Ambry Genetics
Classification: Uncertain significance for Cardiovascular phenotype. Last evaluated: 2019-03-22. Review status: criteria provided, single submitter. Criteria: Ambry Variant Classification Scheme 2023. Collection method: clinical testing. Allele origin: germline.
Comment: The p.N24686S variant (also known as c.74057A>G), located in coding exon 185 of the TTN gene, results from an A to G substitution at nucleotide position 74057. The asparagine at codon 24686 is replaced by serine, an amino acid with highly similar properties. This amino acid position is highly conserved in available vertebrate species. In addition, this alteration is predicted to be tolerated by in silico analysis. Since supporting evidence is limited at this time, the clinical significance of this alteration remains unclear.

Literature cited by the submitters: PubMed 25589632 (cited by Labcorp Genetics (formerly Invitae), Labcorp); PubMed 23975875 (cited by Labcorp Genetics (formerly Invitae), Labcorp).

NM_001267550.2(TTN):c.101252A>G (p.Asn33751Ser)

Genes: TTN-AS1 (TTN antisense RNA 1; plus strand), TTN (titin; minus strand). Cytogenetic location: 2q31.2.
Variant type: single nucleotide variant.
Coding change: c.101252A>G on transcript NM_001267550.2 (MANE Select); coding-DNA position 101252, A replaced by G.
Protein change: p.Asn33751Ser; replaces asparagine 33751 with serine.
Molecular consequence: missense variant.
Genome position (GRCh38, 1-based): chr2:178,535,363, T>C on the plus strand (A>G on the coding strand, the complement: TTN is on the minus strand). VCF-style: chr2-178535363-T-C. GRCh37 (hg19) VCF-style: chr2-179400090-T-C.
Other names: c.96329A>G, p.Asn32110Ser (NM_001256850.1); c.74057A>G, p.Asn24686Ser (NM_003319.4); c.93548A>G, p.Asn31183Ser (NM_133378.4); c.74432A>G, p.Asn24811Ser (NM_133432.3); c.74633A>G, p.Asn24878Ser (NM_133437.4); short protein forms N24686S, N24811S, N24878S, N31183S, N32110S, N33751S.
Identifiers: ClinVar variation 1758756 (VCV001758756.5), dbSNP rs1475672598, ClinGen allele CA349421134.
Genomic context (GRCh38, chr2:178,535,363, plus strand): 5'-CTCAGACCAAATTTATTTTCAGCTATTACCCGGAACTGGTAACTTGTTTTTCCAAATAAG[T>C]TGATCACGGTATAACGTGTTTCTCGGGCCTGTCCTACACGGAGCCATCTTTCTGCAGTAG-3'
Protein context (NP_001254479.2, residues 33741-33761): QARETRYTVI[Asn33751Ser]LFGKTSYQFR